The following is an entry in ClinVar:

NM_007144.3(PCGF2):c.172G>A (p.Val58Met)

Gene: PCGF2 (polycomb group ring finger 2; minus strand). Cytogenetic location: 17q12.
Variant type: single nucleotide variant.
Coding change: c.172G>A on transcript NM_007144.3 (MANE Select); coding-DNA position 172, G replaced by A.
Protein change: p.Val58Met; replaces valine 58 with methionine.
Molecular consequence: missense variant.
Genome position (GRCh38, 1-based): chr17:38,739,623, C>T on the plus strand (G>A on the coding strand, the complement: PCGF2 is on the minus strand). VCF-style: chr17-38739623-C-T. GRCh37 (hg19) VCF-style: chr17-36895876-C-T.
Other names: c.172G>A, p.Val58Met (NM_001369614.1, NM_001369615.1); short protein forms V58M.
Identifiers: ClinVar variation 2525912 (VCV002525912.3), dbSNP rs376422988, ClinGen allele CA8525128.

ClinVar aggregate classification (germline): Uncertain significance. Review status: criteria provided, multiple submitters, no conflicts (2 of 4 stars). 2 submissions from 2 submitters: Uncertain significance (2). Last evaluated 2025-03-31.

Conditions:
Inborn genetic diseases. Identifiers: MedGen C0950123, MeSH D030342.

Allele frequency attached by ClinVar (database versions not stated): ExAC 0.00002; TOPMed 0.00003; ESP Exome Variant Server 0.00008.
gnomAD v4.1: 11 of 1,613,942 alleles (0.00068%); highest among the groups gnomAD compares: African/African-American, 0.0027%; no homozygotes.

Submissions (2):

Labcorp Genetics (formerly Invitae), Labcorp
Classification: Uncertain significance. Last evaluated: 2025-03-31. Review status: criteria provided, single submitter. Criteria: Invitae Variant Classification Sherloc (09022015). Collection method: clinical testing. Allele origin: germline.
Comment: This sequence change replaces valine, which is neutral and non-polar, with methionine, which is neutral and non-polar, at codon 58 of the PCGF2 protein (p.Val58Met). This variant is present in population databases (rs376422988, gnomAD 0.01%). This variant has not been reported in the literature in individuals affected with PCGF2-related conditions. ClinVar contains an entry for this variant (Variation ID: 2525912). Invitae Evidence Modeling of protein sequence and biophysical properties (such as structural, functional, and spatial information, amino acid conservation, physicochemical variation, residue mobility, and thermodynamic stability) indicates that this missense variant is not expected to disrupt PCGF2 protein function with a negative predictive value of 80%. In summary, the available evidence is currently insufficient to determine the role of this variant in disease. Therefore, it has been classified as a Variant of Uncertain Significance.

Ambry Genetics
Classification: Uncertain significance for Inborn genetic diseases. Last evaluated: 2023-04-19. Review status: criteria provided, single submitter. Criteria: Ambry Variant Classification Scheme 2023. Collection method: clinical testing. Allele origin: germline.